The following is an entry in ClinVar:

ClinVar aggregate classification (germline): Uncertain significance (1 of 4 stars; one submission).

Conditions:
Mendelian susceptibility to mycobacterial diseases due to complete IL12RB1 deficiency. Also called: Immunodeficiency 30; IL12RB1 DEFICIENCY. Identifiers: Orphanet 319552, MedGen C4013949, MONDO:0013955, OMIM 614891.

Submission:

Labcorp Genetics (formerly Invitae), Labcorp
Classification: Uncertain significance for Mendelian susceptibility to mycobacterial diseases due to complete IL12RB1 deficiency. Last evaluated: 2022-04-30. Review status: criteria provided, single submitter. Criteria: Invitae Variant Classification Sherloc (09022015). Collection method: clinical testing. Allele origin: germline.
Comment: In summary, the available evidence is currently insufficient to determine the role of this variant in disease. Therefore, it has been classified as a Variant of Uncertain Significance. Algorithms developed to predict the effect of missense changes on protein structure and function (SIFT, PolyPhen-2, Align-GVGD) all suggest that this variant is likely to be disruptive. This missense change has been observed in individual(s) with chronic mucocutaneous candidiasis (Invitae). In at least one individual the data is consistent with being in trans (on the opposite chromosome) from a pathogenic variant. This variant is not present in population databases (gnomAD no frequency). This sequence change replaces tryptophan, which is neutral and slightly polar, with cysteine, which is neutral and slightly polar, at codon 222 of the IL12RB1 protein (p.Trp222Cys).

NM_005535.3(IL12RB1):c.666G>C (p.Trp222Cys)

Gene: IL12RB1 (interleukin 12 receptor subunit beta 1; minus strand). Cytogenetic location: 19p13.11.
Variant type: single nucleotide variant.
Coding change: c.666G>C on transcript NM_005535.3 (MANE Select); coding-DNA position 666, G replaced by C.
Protein change: p.Trp222Cys; replaces tryptophan 222 with cysteine.
Molecular consequence: missense variant.
Genome position (GRCh38, 1-based): chr19:18,075,783, C>G on the plus strand (G>C on the coding strand, the complement: IL12RB1 is on the minus strand). VCF-style: chr19-18075783-C-G. GRCh37 (hg19) VCF-style: chr19-18186593-C-G.
Other names: c.786G>C, p.Trp262Cys (NM_001290024.2); c.666G>C, p.Trp222Cys (NM_153701.3, NM_001290023.2); short protein forms W222C, W262C.
Identifiers: ClinVar variation 2077525 (VCV002077525.4), dbSNP rs2515242826, ClinGen allele CA404781428.